The following is an entry in ClinVar:

NM_014251.3(SLC25A13):c.763G>T (p.Val255Phe)

Gene: SLC25A13 (solute carrier family 25 member 13; minus strand). Cytogenetic location: 7q21.3.
Variant type: single nucleotide variant.
Coding change: c.763G>T on transcript NM_014251.3 (MANE Select); coding-DNA position 763, G replaced by T.
Protein change: p.Val255Phe; replaces valine 255 with phenylalanine.
Molecular consequence: missense variant. On other transcripts: non-coding transcript variant (1).
Genome position (GRCh38, 1-based): chr7:96,189,666, C>A on the plus strand (G>T on the coding strand, the complement: SLC25A13 is on the minus strand). VCF-style: chr7-96189666-C-A. GRCh37 (hg19) VCF-style: chr7-95818978-C-A.
Other names: c.763G>T, p.Val255Phe (NM_001160210.2); short protein forms V255F.
Identifiers: ClinVar variation 4994777 (VCV004994777.1).

ClinVar aggregate classification (germline): Uncertain significance (1 of 4 stars; one submission).

Conditions:
SLC25A13-related disorder. Also called: SLC25A13-related condition.

gnomAD v4.1: 7 of 1,612,702 alleles (0.00043%); highest among the groups gnomAD compares: Non-Finnish European, 0.00059%; no homozygotes.

Submission:

PreventionGenetics, part of Exact Sciences
Classification: Uncertain significance for SLC25A13-related condition. Last evaluated: 2025-08-22. Review status: criteria provided, single submitter. Criteria: ACMG Guidelines, 2015. Collection method: clinical testing. Allele origin: germline.
Comment: The SLC25A13 c.763G>T variant is predicted to result in the amino acid substitution p.Val255Phe. To our knowledge, this variant has not been reported in the literature. This variant is reported in 0.00088% of alleles in individuals of European (Non-Finnish) descent in gnomAD. At this time, the clinical significance of this variant is uncertain due to the absence of conclusive functional and genetic evidence.